The following is an entry in ClinVar:

NM_000059.4(BRCA2):c.9256+2337G>A

Gene: BRCA2 (BRCA2 DNA repair associated; plus strand). Cytogenetic location: 13q13.1.
Variant type: single nucleotide variant.
Coding change: c.9256+2337G>A on transcript NM_000059.4 (MANE Select); 2337 bases into the intron after coding-DNA position 9256, G replaced by A.
Molecular consequence: intron variant.
Genome position (GRCh38, 1-based): chr13:32,382,482, G>A. VCF-style: chr13-32382482-G-A. GRCh37 (hg19) VCF-style: chr13-32956619-G-A.
Identifiers: ClinVar variation 264912 (VCV000264912.1), dbSNP rs11571779, ClinGen allele CA10588158.

ClinVar aggregate classification (germline): Benign (3 of 4 stars; one submission).

Conditions:
Breast-ovarian cancer, familial, susceptibility to, 2 (BROVCA2). Also called: BRCA2 Hereditary Breast and Ovarian Cancer. Identifiers: Orphanet 145, MedGen C2675520, MONDO:0012933, OMIM 612555. Disease mechanism: loss of function.

Allele frequency attached by ClinVar (database versions not stated): 1000 Genomes Project 0.00379; 1000 Genomes Project 30x 0.00390; TOPMed 0.00393.
gnomAD v4.1: 539 of 152,332 alleles (0.35%); highest among the groups gnomAD compares: African/African-American, 1.3%; 2 homozygotes.

Submission:

Evidence-based Network for the Interpretation of Germline Mutant Alleles (ENIGMA)
Classification: Benign for Breast-ovarian cancer, familial, susceptibility to, 2. Last evaluated: 2016-09-28. Review status: reviewed by expert panel. Criteria: ENIGMA BRCA1/2 Classification Criteria (2015). Collection method: curation. Allele origin: germline.
Comment: Class 1 not pathogenic based on frequency >1% in an outbred sampleset. Frequency 0.0136 (African), derived from 1000 genomes (2013-05-02).